The following is an entry in ClinVar:

ClinVar aggregate classification (germline): Likely pathogenic (1 of 4 stars; one submission).

Submission:

GeneDx
Classification: Likely pathogenic. Last evaluated: 2017-03-03. Review status: criteria provided, single submitter. Criteria: GeneDx Variant Classification (06012015). Collection method: clinical testing. Allele origin: germline. Affected: yes.
Comment: The c.1969_1971delTATinsCAG variant in the STAT3 gene causes the loss of amino acid Tyrosine 657 and inserts a Glutamine, denoted p.Tyr657Gln. It has not been published as a pathogenic variant, nor has it been reported as a benign variant to our knowledge. The c.1969_1971delTATinsCAG variant was not observed in approximately 6,500 individuals of European and African American ancestry in the NHLBI Exome Sequencing Project, indicating it is not a common benign variant in these populations. The c.1969_1971delTATinsCAG variant results in a semi-conservative amino acid substitution, which may impact secondary protein structure as these residues differ in some properties. This substitution occurs at a position that is conserved across species. In silico analysis predicts this variant is probably damaging to the protein structure/function. Missense variants in this residue (Y657N, Y657C, Y657S) and in nearby residues (E652K, K658N, M660R, M660T, K658E) have been reported in the Human Gene Mutation Database in association with hyper-IgE syndrome (Stenson et al., 2014), supporting the functional importance of this region of the protein. Therefore, this variant is likely pathogenic; however, the possibility that it is benign cannot be excluded.

NM_139276.3(STAT3):c.1969_1971delinsCAG (p.Tyr657Gln)

Gene: STAT3 (signal transducer and activator of transcription 3; minus strand). Cytogenetic location: 17q21.2.
Variant type: Indel.
Coding change: c.1969_1971delinsCAG on transcript NM_139276.3 (MANE Select); coding-DNA positions 1969 to 1971, TAT replaced by CAG.
Protein change: p.Tyr657Gln; replaces tyrosine 657 with glutamine.
Molecular consequence: missense variant.
Genome position (GRCh38, 1-based): chr17:42,322,412-42,322,414, ATA replaced by CTG on the plus strand (TAT replaced by CAG on the coding strand, the reverse complement: STAT3 is on the minus strand). VCF-style: chr17-42322412-ATA-CTG. GRCh37 (hg19) VCF-style: chr17-40474430-ATA-CTG.
Other names: c.1969_1971delinsCAG, p.Tyr657Gln (NM_001369512.1, NM_001369513.1, NM_001369514.1 and 9 more transcripts); c.1885_1887delinsCAG, p.Tyr629Gln (NM_001384984.1); c.1891_1893delinsCAG, p.Tyr631Gln (NM_001384985.1); c.1984_1986delinsCAG, p.Tyr662Gln (NM_001384986.1, NM_001384990.1); c.1948_1950delinsCAG, p.Tyr650Gln (NM_001384987.1); c.1873_1875delinsCAG, p.Tyr625Gln (NM_001384989.1); c.1942_1944delinsCAG, p.Tyr648Gln (NM_001384991.1); c.1909_1911delinsCAG, p.Tyr637Gln (NM_001384992.1); and 1 more; short protein forms Y657Q, Y625Q, Y629Q, Y631Q, Y637Q, Y648Q, Y650Q, Y662Q.
Identifiers: ClinVar variation 420336 (VCV000420336.1), dbSNP rs1064794421, ClinGen allele CA16620409.